The following is an entry in ClinVar:

ClinVar aggregate classification (germline): Pathogenic (1 of 4 stars; one submission).

Submission:

Labcorp Genetics (formerly Invitae), Labcorp
Classification: Pathogenic. Last evaluated: 2020-07-16. Review status: criteria provided, single submitter. Criteria: Invitae Variant Classification Sherloc (09022015). Collection method: clinical testing. Allele origin: unknown.
Comment: This variant results in the deletion of exons 13-15 and part of exons 12 and 16 (c.2596_3232delinsT) of the ATR gene. This is expected to create a premature translational stop signal and result in an absent or disrupted protein product. This variant has not been reported in the literature in individuals with ATR-related conditions. Loss-of-function variants in ATR are known to be pathogenic (PMID: 21228398, 23144622). For these reasons, this variant has been classified as Pathogenic.

Literature cited by the submitters: PubMed 21228398; PubMed 23144622.

NC_000003.11:g.(?_142266690)_(142272517_?)del

Gene: ATR (ATR serine/threonine kinase; minus strand). Cytogenetic location: 3q23.
Variant type: Deletion.
Identifiers: ClinVar variation 3246969 (VCV003246969.1).